The following is an entry in ClinVar:

ClinVar aggregate classification (germline): Uncertain significance (1 of 4 stars; one submission).

Conditions:
Cystic fibrosis (CF). Also called: MUCOVISCIDOSIS. Identifiers: Orphanet 586, MedGen C0010674, MONDO:0009061, OMIM 219700. Disease mechanism: loss of function.

gnomAD v4.1: 49 of 152,322 alleles (0.032%); highest among the groups gnomAD compares: Admixed American, 0.098%; no homozygotes.

Submission:

Johns Hopkins Genomics, Johns Hopkins University
Classification: Uncertain significance for Cystic fibrosis. Last evaluated: 2024-05-08. Review status: criteria provided, single submitter. Criteria: ACMG Guidelines, 2015. Collection method: clinical testing. Allele origin: germline.
Comment: PM2, PP4, BP4

NM_000492.4(CFTR):c.165-328C>A

Genes: CFTR (CF transmembrane conductance regulator; plus strand), LOC113664106 (CFTR intron 2 DNase I hypersensitive site; plus strand). Cytogenetic location: 7q31.2.
Variant type: single nucleotide variant.
Coding change: c.165-328C>A on transcript NM_000492.4 (MANE Select); 328 bases into the intron before coding-DNA position 165, C replaced by A.
Molecular consequence: intron variant.
Genome position (GRCh38, 1-based): chr7:117,508,706, C>A. VCF-style: chr7-117508706-C-A. GRCh37 (hg19) VCF-style: chr7-117148760-C-A.
Identifiers: ClinVar variation 4280057 (VCV004280057.1).